The following is an entry in ClinVar:

ClinVar aggregate classification (germline): Likely benign (0 of 4 stars; one submission).

Conditions:
ARFGEF2-related disorder. Also called: ARFGEF2-related condition.

Submission:

PreventionGenetics, part of Exact Sciences
Classification: Likely benign for ARFGEF2-related condition. Last evaluated: 2021-12-09. Review status: no assertion criteria provided. Collection method: clinical testing. Allele origin: germline.
Comment: This variant is classified as likely benign based on ACMG/AMP sequence variant interpretation guidelines (Richards et al. 2015 PMID: 25741868, with internal and published modifications).

NM_006420.3(ARFGEF2):c.4456T>C (p.Leu1486=)

Gene: ARFGEF2 (ARF guanine nucleotide exchange factor 2; plus strand). Cytogenetic location: 20q13.13.
Variant type: single nucleotide variant.
Coding change: c.4456T>C on transcript NM_006420.3 (MANE Select); coding-DNA position 4456, T replaced by C.
Protein change: p.Leu1486=; no amino-acid change (leucine 1486 retained).
Molecular consequence: synonymous variant.
Genome position (GRCh38, 1-based): chr20:49,017,497, T>C. VCF-style: chr20-49017497-T-C. GRCh37 (hg19) VCF-style: chr20-47634034-T-C.
Other names: c.4453T>C, p.Leu1485= (NM_001410846.1).
Identifiers: ClinVar variation 3029437 (VCV003029437.2), dbSNP rs2515582763, ClinGen allele CA510796747.